The following is an entry in ClinVar:

NM_000313.4(PROS1):c.1345T>A (p.Cys449Ser)

Gene: PROS1 (protein S; minus strand). Cytogenetic location: 3q11.1.
Variant type: single nucleotide variant.
Coding change: c.1345T>A on transcript NM_000313.4 (MANE Select); coding-DNA position 1345, T replaced by A.
Protein change: p.Cys449Ser; replaces cysteine 449 with serine.
Molecular consequence: missense variant.
Genome position (GRCh38, 1-based): chr3:93,884,875, A>T on the plus strand (T>A on the coding strand, the complement: PROS1 is on the minus strand). VCF-style: chr3-93884875-A-T. GRCh37 (hg19) VCF-style: chr3-93603719-A-T.
Other names: c.1441T>A, p.Cys481Ser (NM_001314077.2); short protein forms C481S, C449S.
Identifiers: ClinVar variation 2734548 (VCV002734548.3), dbSNP rs2472115284, ClinGen allele CA353668935.
Genomic context (GRCh38, chr3:93,884,875, plus strand): 5'-CTTGAATAATTTCCTTTATTCCAGAAGCTCCTTGCTTCATCAAATTCCAGCTTCGTATAC[A>T]TCCATCTAGACGAGGGTTAATCTAACAAATTAAAATACAAGTCAAGGAGTGCATTTTAAA-3'
Protein context (NP_000304.2, residues 439-459): IKPINPRLDG[Cys449Ser]IRSWNLMKQG

ClinVar aggregate classification (germline): Uncertain significance (1 of 4 stars; one submission).

Conditions:
Thrombophilia due to protein S deficiency, autosomal recessive (THPH6). Identifiers: Orphanet 743, MedGen C3281092, MONDO:0013791, OMIM 614514. Disease mechanism: loss of function.

Submission:

Labcorp Genetics (formerly Invitae), Labcorp
Classification: Uncertain significance for Thrombophilia due to protein S deficiency, autosomal recessive. Last evaluated: 2023-10-22. Review status: criteria provided, single submitter. Criteria: Invitae Variant Classification Sherloc (09022015). Collection method: clinical testing. Allele origin: germline.
Comment: This sequence change replaces cysteine, which is neutral and slightly polar, with serine, which is neutral and polar, at codon 449 of the PROS1 protein (p.Cys449Ser). This variant is not present in population databases (gnomAD no frequency). This missense change has been observed in individual(s) with protein S deficiency (PMID: 8943854). This variant is also known as 1491T to A, Cys408Ser . Advanced modeling of protein sequence and biophysical properties (such as structural, functional, and spatial information, amino acid conservation, physicochemical variation, residue mobility, and thermodynamic stability) performed at Invitae indicates that this missense variant is expected to disrupt PROS1 protein function. In summary, the available evidence is currently insufficient to determine the role of this variant in disease. Therefore, it has been classified as a Variant of Uncertain Significance.

Literature cited by the submitters: PubMed 8943854.